The following is an entry in ClinVar:

ClinVar aggregate classification (germline): Uncertain significance. Review status: criteria provided, single submitter (1 of 4 stars). 2 submissions from 2 submitters: Uncertain significance (1). 1 of the submissions does not count toward it. Last evaluated 2025-08-06.

Conditions:
PLXNA1-related disorder. Also called: PLXNA1-related condition.

gnomAD v4.1: 7 of 1,613,304 alleles (0.00043%); highest among the groups gnomAD compares: African/African-American, 0.008%; no homozygotes.

Submissions (2):

Ambry Genetics
Classification: Uncertain significance. Last evaluated: 2025-08-06. Review status: criteria provided, single submitter. Criteria: Ambry Variant Classification Scheme 2023. Collection method: clinical testing. Allele origin: germline.

PreventionGenetics, part of Exact Sciences
Classification: Uncertain significance for PLXNA1-related condition. Last evaluated: 2024-07-10. Review status: no assertion criteria provided. Collection method: clinical testing. Allele origin: germline. Not counted in ClinVar's aggregate classification.
Comment: The PLXNA1 c.3223A>T variant is predicted to result in the amino acid substitution p.Thr1075Ser. To our knowledge, this variant has not been reported in the literature. This variant is reported in 0.0080% of alleles in individuals of African descent in gnomAD. At this time, the clinical significance of this variant is uncertain due to the absence of conclusive functional and genetic evidence.

NM_032242.4(PLXNA1):c.3223A>T (p.Thr1075Ser)

Gene: PLXNA1 (plexin A1; plus strand). Cytogenetic location: 3q21.3.
Variant type: single nucleotide variant.
Coding change: c.3223A>T on transcript NM_032242.4 (MANE Select); coding-DNA position 3223, A replaced by T.
Protein change: p.Thr1075Ser; replaces threonine 1075 with serine.
Molecular consequence: missense variant.
Genome position (GRCh38, 1-based): chr3:127,016,984, A>T. VCF-style: chr3-127016984-A-T. GRCh37 (hg19) VCF-style: chr3-126735827-A-T.
Other names: short protein forms T1075S.
Identifiers: ClinVar variation 3352445 (VCV003352445.2).